The following is an entry in ClinVar:

NM_000195.5(HPS1):c.962dup (p.Thr322fs)

Gene: HPS1 (HPS1 biogenesis of lysosomal organelles complex 3 subunit 1; minus strand). Cytogenetic location: 10q24.2.
Variant type: Duplication.
Coding change: c.962dup on transcript NM_000195.5 (MANE Select); coding-DNA position 962, one base duplicated (G; older notation c.962dupG).
Protein change: p.Thr322fs; shifts the reading frame from threonine 322.
Molecular consequence: frameshift variant. On other transcripts: 5 prime UTR variant (3).
Genome position (GRCh38, 1-based): chr10:98,427,240, C duplicated on the plus strand (G on the coding strand, the reverse complement: HPS1 is on the minus strand); the first of 6 consecutive C bases (chr10:98,427,240-98,427,245); duplicating any one gives the same sequence. VCF-style (leftmost placement, unchanged base first): chr10-98427239-G-GC. GRCh37 (hg19) VCF-style: chr10-100186996-G-GC.
Other names: c.962dupG (NM_000195.4); c.-11dup (NM_001311345.2, NM_001322487.2, NM_001322489.2); c.962dup, p.Thr322fs (NM_001322476.2, NM_001322477.2); c.863dup, p.Thr289fs (NM_001322478.2, NM_001322479.2); c.701dup, p.Thr235fs (NM_001322480.2, NM_001322481.2); c.602dup, p.Thr202fs (NM_001322482.2); c.593dup, p.Thr199fs (NM_001322483.2, NM_001322484.2); c.494dup, p.Thr166fs (NM_001322485.2); short protein forms T199fs, T235fs, T322fs, T166fs, T202fs, T289fs.
Identifiers: ClinVar variation 5282 (VCV000005282.14), dbSNP rs281865081, ClinGen allele CA253458.
Genomic context (GRCh38, chr10:98,427,239, plus strand): 5'-TCAGCTGGCGCCCAGGCAGGCACAGGAGAAACTCACCTGAAGGGCATCCATGGGGGGGGT[G>GC]CCCCCCTCCAGCCAGATGGTGCTACCTGCAGGCCACAGGTAATAACATAACGATGTAAGT-3'

ClinVar aggregate classification (germline): Pathogenic. Review status: criteria provided, multiple submitters, no conflicts (2 of 4 stars). 5 submissions from 5 submitters: Pathogenic (4). 1 of the submissions does not count toward it. Last evaluated 2025-12-01.

Conditions:
Hermansky-Pudlak syndrome (HPS). Also called: ALBINISM WITH HEMORRHAGIC DIATHESIS AND PIGMENTED RETICULOENDOTHELIAL CELLS. Identifiers: Orphanet 79430, MedGen C0079504, MONDO:0019312.
Hermansky-Pudlak syndrome 1 (HPS1). Also called: DELTA STORAGE POOL DISEASE. Identifiers: Orphanet 231500, Orphanet 79430, MedGen C2931875, MONDO:0008748, OMIM 203300.

Submissions (5):

Natera, Inc.
Classification: Pathogenic for Hermansky-Pudlak syndrome. Last evaluated: 2025-12-01. Review status: criteria provided, single submitter. Criteria: Natera Variant Classification Schema (03/2026). Collection method: clinical testing. Allele origin: germline.
Comment: The c.962dupG variant in HPS1 is a frameshift variant predicted to shift the reading frame beginning at codon 322 and leads to a stop codon 131 codons downstream. This variant is expected to result in nonsense mediated decay, truncation, or a dysfunctional protein product. This variant is rare in the general population with a frequency below the threshold expected for the associated phenotype(s). This variant has been observed in one or more individuals affected with the associated recessive disease, as either homozygous or compound heterozygous with a second variant (PMID: 10971344). Given the available evidence, this variant is classified as Pathogenic.

Fulgent Genetics
Classification: Pathogenic for Hermansky-Pudlak syndrome 1. Last evaluated: 2024-06-15. Review status: criteria provided, single submitter. Criteria: ACMG Guidelines, 2015. Collection method: clinical testing. Allele origin: germline.

Baylor Genetics
Classification: Pathogenic for Hermansky-Pudlak syndrome 1. Last evaluated: 2024-03-30. Review status: criteria provided, single submitter. Criteria: ACMG Guidelines, 2015. Collection method: clinical testing. Allele origin: unknown.

Labcorp Genetics (formerly Invitae), Labcorp
Classification: Pathogenic. Last evaluated: 2022-10-20. Review status: criteria provided, single submitter. Criteria: Invitae Variant Classification Sherloc (09022015). Collection method: clinical testing. Allele origin: germline.
Comment: This premature translational stop signal has been observed in individual(s) with Hermansky-Pudlak syndrome (PMID: 10971344). In at least one individual the data is consistent with being in trans (on the opposite chromosome) from a pathogenic variant. For these reasons, this variant has been classified as Pathogenic. ClinVar contains an entry for this variant (Variation ID: 5282). The frequency data for this variant in the population databases is considered unreliable, as metrics indicate poor data quality at this position in the gnomAD database. This sequence change creates a premature translational stop signal (p.Thr322Hisfs*131) in the HPS1 gene. It is expected to result in an absent or disrupted protein product. Loss-of-function variants in HPS1 are known to be pathogenic (PMID: 12442288, 16185271).

OMIM
Classification: Pathogenic for HERMANSKY-PUDLAK SYNDROME 1. Last evaluated: 2000-09-01. Review status: no assertion criteria provided. Collection method: literature only. Allele origin: germline. Not counted in ClinVar's aggregate classification.

Literature cited by the submitters: PubMed 10971344 (cited by 3 submitters); PubMed 12442288 (cited by Labcorp Genetics (formerly Invitae), Labcorp); PubMed 16185271 (cited by Labcorp Genetics (formerly Invitae), Labcorp).